The following is an entry in ClinVar:

ClinVar aggregate classification (germline): Uncertain significance. Review status: criteria provided, single submitter (1 of 4 stars). 2 submissions from 2 submitters: Uncertain significance (1). 1 of the submissions does not count toward it. Last evaluated 2018-01-12.

Conditions:
Xeroderma pigmentosum group A (XPA). Also called: Xeroderma pigmentosum, complementation group A; XP, group A; XPA-Related Xeroderma Pigmentosum. Identifiers: Orphanet 910, MedGen C0268135, MONDO:0010210, OMIM 278700.

Allele frequency attached by ClinVar (database versions not stated): gnomAD 0.00005; gnomAD exomes 0.00007 and 0.00008; ExAC 0.00008; TOPMed 0.00010; 1000 Genomes Project 0.00040; 1000 Genomes Project 30x 0.00047.
gnomAD v4.1: 143 of 1,613,422 alleles (0.0089%); highest among the groups gnomAD compares: East Asian, 0.036%; no homozygotes.

Submissions (2):

Illumina Laboratory Services, Illumina
Classification: Uncertain significance for Xeroderma pigmentosum group A. Last evaluated: 2018-01-12. Review status: criteria provided, single submitter. Criteria: ICSL Variant Classification Criteria 13 December 2019. Collection method: clinical testing. Allele origin: germline.

ITMI
No classification provided. Condition: AllHighlyPenetrant. Last evaluated: 2013-09-19. Review status: no classification provided. Collection method: reference population. Allele origin: germline. Not counted in ClinVar's aggregate classification.
Comment: Please see associated publication for description of ethnicities

Literature cited by the submitters: PubMed 24728327 (cited by ITMI).

NM_000380.4(XPA):c.772C>T (p.Arg258Cys)

Gene: XPA (XPA, DNA damage recognition and repair factor; minus strand). Cytogenetic location: 9q22.33.
Variant type: single nucleotide variant.
Coding change: c.772C>T on transcript NM_000380.4 (MANE Select); coding-DNA position 772, C replaced by T.
Protein change: p.Arg258Cys; replaces arginine 258 with cysteine.
Molecular consequence: missense variant. On other transcripts: non-coding transcript variant (5).
Genome position (GRCh38, 1-based): chr9:97,675,489, G>A on the plus strand (C>T on the coding strand, the complement: XPA is on the minus strand). VCF-style: chr9-97675489-G-A. GRCh37 (hg19) VCF-style: chr9-100437771-G-A.
Other names: c.646C>T, p.Arg216Cys (NM_001354975.2); short protein forms R258C, R216C.
Identifiers: ClinVar variation 135462 (VCV000135462.5), dbSNP rs188860873, ClinGen allele CA162844.
Genomic context (GRCh38, chr9:97,675,489, plus strand): 5'-AACTAAAAAATCACATTTTTTCATATGTCAGTTCATGGCCACACATAGTACAAGTCTTAC[G>A]GTACATGTCATCTTCTAGGTTTTCTTCTGGTCCATACTCATGTTGATGAACAATCGTCTC-3'
Protein context (NP_000371.1, residues 248-268): PEENLEDDMY[Arg258Cys]KTCTMCGHEL